The following is an entry in ClinVar:

NM_000138.5(FBN1):c.6113G>A (p.Cys2038Tyr)

Gene: FBN1 (fibrillin 1; minus strand). Cytogenetic location: 15q21.1.
Variant type: single nucleotide variant.
Coding change: c.6113G>A on transcript NM_000138.5 (MANE Select); coding-DNA position 6113, G replaced by A.
Protein change: p.Cys2038Tyr; replaces cysteine 2038 with tyrosine.
Molecular consequence: missense variant.
Genome position (GRCh38, 1-based): chr15:48,441,771, C>T on the plus strand (G>A on the coding strand, the complement: FBN1 is on the minus strand). VCF-style: chr15-48441771-C-T. GRCh37 (hg19) VCF-style: chr15-48733968-C-T.
Other names: short protein forms C2038Y.
Identifiers: ClinVar variation 431924 (VCV000431924.7), dbSNP rs363804, ClinGen allele CA269530715.

ClinVar aggregate classification (germline): Pathogenic. Review status: criteria provided, multiple submitters, no conflicts (2 of 4 stars). 4 submissions from 4 submitters: Pathogenic (3). 1 of the submissions does not count toward it. Last evaluated 2025-10-24.

Conditions:
Marfan syndrome (MFS). Also called: MARFAN SYNDROME, TYPE I; FBN1-Related Marfan Syndrome; Marfan syndrome type 1; Marfan's syndrome; Marfan syndrome, classic. Identifiers: Orphanet 284963, Orphanet 558, MedGen C0024796, MONDO:0007947, OMIM 154700.
Familial thoracic aortic aneurysm and aortic dissection (TAAD). Also called: Thoracic aortic aneurysms and dissections. Identifiers: Orphanet 91387, MedGen C4707243, MONDO:0019625.

Allele frequency attached by ClinVar (database versions not stated): gnomAD 0.00001.
gnomAD v4.1: 1 of 1,613,650 alleles (0.000062%); highest among the groups gnomAD compares: Admixed American, 0.0017%; no homozygotes.

Submissions (4):

Labcorp Genetics (formerly Invitae), Labcorp
Classification: Pathogenic for Marfan syndrome; Familial thoracic aortic aneurysm and aortic dissection. Last evaluated: 2025-10-24. Review status: criteria provided, single submitter. Criteria: Invitae Variant Classification Sherloc (09022015). Collection method: clinical testing. Allele origin: germline.
Comment: This sequence change replaces cysteine, which is neutral and slightly polar, with tyrosine, which is neutral and polar, at codon 2038 of the FBN1 protein (p.Cys2038Tyr). This variant is present in population databases (rs363804, gnomAD 0.1%). This missense change has been observed in individuals with clinical features of FBN1-related conditions (PMID: 16220557, 31098894, 34456093). ClinVar contains an entry for this variant (Variation ID: 431924). Invitae Evidence Modeling of protein sequence and biophysical properties (such as structural, functional, and spatial information, amino acid conservation, physicochemical variation, residue mobility, and thermodynamic stability) indicates that this missense variant is expected to disrupt FBN1 protein function with a positive predictive value of 95%. This variant affects a cysteine residue in the EGF-like, TGFBP or hybrid motif domains of FBN1. Cysteine residues are believed to be involved in intramolecular disulfide bridges and have been shown to be important for FBN1 protein structure (PMID: 16905551, 19349279). In addition, missense substitutions affecting cysteine residues within these domains are significantly overrepresented among patients with Marfan syndrome (PMID: 16571647, 17701892). For these reasons, this variant has been classified as Pathogenic.

CHEO Genetics Diagnostic Laboratory, Children's Hospital of Eastern Ontario
Classification: Pathogenic for Familial thoracic aortic aneurysm and aortic dissection. Last evaluated: 2023-06-06. Review status: criteria provided, single submitter. Criteria: ACMG Guidelines, 2015. Collection method: clinical testing. Allele origin: germline.

GeneDx
Classification: Pathogenic. Last evaluated: 2022-09-07. Review status: criteria provided, single submitter. Criteria: GeneDx Variant Classification Process June 2021. Collection method: clinical testing. Allele origin: germline. Affected: yes.
Comment: In silico analysis supports that this missense variant has a deleterious effect on protein structure/function; Not observed at significant frequency in large population cohorts (gnomAD); Affects a cysteine residue within a calcium-binding EGF-like domain of the FBN1 gene, which may affect disulfide bonding and is predicted to alter the structure and function of the protein; cysteine substitutions in the calcium-binding EGF-like domains represent the majority of pathogenic missense changes associated with FBN1-related disorders (Collod-Beroud et al., 2003); This variant is associated with the following publications: (PMID: 17850668, 24821303, 24941995, 31098894, 19561590, 21883168, 24161884, 11875032, 19839986, 16220557, 31506931, 12938084)

Center for Medical Genetics Ghent, University of Ghent
Classification: Likely pathogenic for Marfan syndrome. Last evaluated: 2017-11-07. Review status: no assertion criteria provided. Collection method: clinical testing. Allele origin: germline. Affected: yes. Not counted in ClinVar's aggregate classification.

Literature cited by the submitters: PubMed 16220557 (cited by Labcorp Genetics (formerly Invitae), Labcorp); PubMed 31098894 (cited by Labcorp Genetics (formerly Invitae), Labcorp); PubMed 34456093 (cited by Labcorp Genetics (formerly Invitae), Labcorp); PubMed 16905551 (cited by Labcorp Genetics (formerly Invitae), Labcorp); PubMed 19349279 (cited by Labcorp Genetics (formerly Invitae), Labcorp); PubMed 16571647 (cited by Labcorp Genetics (formerly Invitae), Labcorp); PubMed 17701892 (cited by Labcorp Genetics (formerly Invitae), Labcorp).